The following is an entry in ClinVar:

ClinVar aggregate classification (germline): Uncertain significance. Review status: criteria provided, multiple submitters, no conflicts (2 of 4 stars). 2 submissions from 2 submitters: Uncertain significance (2). Last evaluated 2026-02-01.

Conditions:
Inborn genetic diseases. Identifiers: MedGen C0950123, MeSH D030342.

Allele frequency attached by ClinVar (database versions not stated): gnomAD 0.00002; TOPMed 0.00003.
gnomAD v4.1: 77 of 1,550,526 alleles (0.005%); highest among the groups gnomAD compares: Non-Finnish European, 0.0064%; no homozygotes.

Submissions (2):

CeGaT Center for Human Genetics Tuebingen
Classification: Uncertain significance. Last evaluated: 2026-02-01. Review status: criteria provided, single submitter. Criteria: CeGaT Center For Human Genetics Tuebingen Variant Classification Criteria Version 2. Collection method: clinical testing. Allele origin: germline. Affected: yes. Observed: 1 variant allele.
Comment: WDR81: PM2

Ambry Genetics
Classification: Uncertain significance for Inborn genetic diseases. Last evaluated: 2025-06-12. Review status: criteria provided, single submitter. Criteria: Ambry Variant Classification Scheme 2023. Collection method: clinical testing. Allele origin: germline.

NM_001163809.2(WDR81):c.817G>A (p.Ala273Thr)

Gene: WDR81 (WD repeat domain 81; plus strand). Cytogenetic location: 17p13.3.
Variant type: single nucleotide variant.
Coding change: c.817G>A on transcript NM_001163809.2 (MANE Select); coding-DNA position 817, G replaced by A.
Protein change: p.Ala273Thr; replaces alanine 273 with threonine.
Molecular consequence: missense variant. On other transcripts: intron variant (3).
Genome position (GRCh38, 1-based): chr17:1,725,776, G>A. VCF-style: chr17-1725776-G-A. GRCh37 (hg19) VCF-style: chr17-1629070-G-A.
Other names: c.-123-2214G>A (NM_152348.4); c.59-4604G>A (NM_001163673.2); c.-15+990G>A (NM_001163811.2); short protein forms A273T.
Identifiers: ClinVar variation 2228936 (VCV002228936.7), dbSNP rs201695196, ClinGen allele CA286868488.